The following is an entry in ClinVar:

ClinVar aggregate classification (germline): Pathogenic. Review status: criteria provided, multiple submitters, no conflicts (2 of 4 stars). 3 submissions from 3 submitters: Pathogenic (2). 1 of the submissions does not count toward it. Last evaluated 2026-01-28.

Conditions:
AFG3L2-related disorder. Also called: AFG3L2-related condition.
Optic atrophy 12. Also called: Optic Atrophy Type 12 (OPA12). Identifiers: MedGen C5436534, MONDO:0033549, OMIM 618977.

Submissions (3):

3billion
Classification: Pathogenic for Optic atrophy 12. Last evaluated: 2026-01-28. Review status: criteria provided, single submitter. Criteria: ACMG Guidelines, 2015. Collection method: clinical testing. Allele origin: germline. Affected: yes.
Comment: The variant is not observed in the gnomAD v4.1.0 dataset. Predicted Consequence/Location: Missense variant Functional studies provide moderate evidence of the variant having a damaging effect on the gene or gene product (PMID: 32600459). In silico tool predictions suggest damaging effect of the variant on gene or gene product [REVEL: 0.91 (>=0.6, sensitivity 0.68 and specificity 0.92)]. The same nucleotide change resulting in the same amino acid change has been previously reported as pathogenic/likely pathogenic with strong evidence (ClinVar ID: VCV000976488 /PMID: 32548275 /3billion dataset). The variant has been observed in at least two similarly affected unrelated individuals (PMID: 32548275, 32600459). The variant has been reported to co-segregate with the disease in at least 5 similarly affected relatives/individuals in the same family or similarly affected unrelated families (PMID: 32600459). A different missense change at the same codon (p.Gly337Arg) has been reported to be associated with AFG3L2-related disorder (PMID: 32548275). Therefore, this variant is classified as Pathogenic according to the recommendation of ACMG/AMP guideline.

Blueprint Genetics
Classification: Pathogenic for AFG3L2-related disorders. Last evaluated: 2022-10-10. Review status: criteria provided, single submitter. Criteria: ACMG Guidelines, 2015. Collection method: clinical testing. Allele origin: germline. Affected: yes. Observed: 2 variant alleles.

OMIM
Classification: Pathogenic for OPTIC ATROPHY 12. Last evaluated: 2020-08-14. Review status: no assertion criteria provided. Collection method: literature only. Allele origin: germline. Not counted in ClinVar's aggregate classification.

Literature cited by the submitters: PubMed 32600459 (cited by 3billion and OMIM); PubMed 32548275 (cited by 3billion).

NM_006796.3(AFG3L2):c.1010G>A (p.Gly337Glu)

Gene: AFG3L2 (AFG3 like matrix AAA peptidase subunit 2; minus strand). Cytogenetic location: 18p11.21.
Variant type: single nucleotide variant.
Coding change: c.1010G>A on transcript NM_006796.3 (MANE Select); coding-DNA position 1010, G replaced by A.
Protein change: p.Gly337Glu; replaces glycine 337 with glutamic acid.
Molecular consequence: missense variant.
Genome position (GRCh38, 1-based): chr18:12,358,686, C>T on the plus strand (G>A on the coding strand, the complement: AFG3L2 is on the minus strand). VCF-style: chr18-12358686-C-T. GRCh37 (hg19) VCF-style: chr18-12358685-C-T.
Other names: G337E.
Identifiers: ClinVar variation 976488 (VCV000976488.5), dbSNP rs1908566777, ClinGen allele CA401953394.